The following is an entry in ClinVar:

ClinVar aggregate classification (germline): Uncertain significance. Review status: criteria provided, multiple submitters, no conflicts (2 of 4 stars). 3 submissions from 3 submitters: Uncertain significance (3). Last evaluated 2024-02-17.

Conditions:
Arrhythmogenic right ventricular dysplasia 11. Also called: Arrhythmogenic Right Ventricular Dysplasia/Cardiomyopathy11; ARRHYTHMOGENIC RIGHT VENTRICULAR DYSPLASIA, FAMILIAL, 11; Arrhythmogenic right ventricular dysplasia 11 with mild palmoplantar keratoderma and woolly hair. Identifiers: MedGen C1864850, MONDO:0012506, OMIM 610476.
Familial isolated arrhythmogenic right ventricular dysplasia. Identifiers: Orphanet 217656, MedGen C4274968, MONDO:0016342.
Cardiovascular phenotype. Identifiers: MedGen CN230736.

Allele frequency attached by ClinVar (database versions not stated): gnomAD 0.00001; ESP Exome Variant Server 0.00008; TOPMed 0.00001.
gnomAD v4.1: 1 of 1,613,798 alleles (0.000062%); highest among the groups gnomAD compares: African/African-American, 0.0013%; no homozygotes.

Submissions (3):

Labcorp Genetics (formerly Invitae), Labcorp
Classification: Uncertain significance for Arrhythmogenic right ventricular dysplasia 11. Last evaluated: 2024-02-17. Review status: criteria provided, single submitter. Criteria: Invitae Variant Classification Sherloc (09022015). Collection method: clinical testing. Allele origin: germline.
Comment: This sequence change replaces asparagine, which is neutral and polar, with serine, which is neutral and polar, at codon 639 of the DSC2 protein (p.Asn639Ser). This variant is not present in population databases (gnomAD no frequency). This variant has not been reported in the literature in individuals affected with DSC2-related conditions. ClinVar contains an entry for this variant (Variation ID: 1027315). Advanced modeling of protein sequence and biophysical properties (such as structural, functional, and spatial information, amino acid conservation, physicochemical variation, residue mobility, and thermodynamic stability) performed at Invitae indicates that this missense variant is not expected to disrupt DSC2 protein function with a negative predictive value of 80%. In summary, the available evidence is currently insufficient to determine the role of this variant in disease. Therefore, it has been classified as a Variant of Uncertain Significance.

All of Us Research Program, National Institutes of Health
Classification: Uncertain significance for Familial isolated arrhythmogenic right ventricular dysplasia. Last evaluated: 2023-05-16. Review status: criteria provided, single submitter. Criteria: ACMG Guidelines, 2015. Collection method: clinical testing. Allele origin: germline. Inheritance: Autosomal dominant inheritance. Observed: 1 variant allele, 1 heterozygote.
Comment: This missense variant replaces asparagine with serine at codon 639 of the DSC2 protein. Computational prediction suggests that this variant may not impact protein structure and function (internally defined REVEL score threshold <= 0.5, PMID: 27666373). To our knowledge, functional studies have not been reported for this variant. This variant has not been reported in individuals affected with DSC2-related disorders in the literature. This variant has not been identified in the general population by the Genome Aggregation Database (gnomAD). The available evidence is insufficient to determine the role of this variant in disease conclusively. Therefore, this variant is classified as a Variant of Uncertain Significance.

This study involves interpretation of variants in research participants for the purpose of population health screening. Participant phenotype was not available at the time of variant classification. Additional details can be found in publication PMID: 35346344, PMCID: PMC8962531

Ambry Genetics
Classification: Uncertain significance for Cardiovascular phenotype. Last evaluated: 2021-04-06. Review status: criteria provided, single submitter. Criteria: Ambry Variant Classification Scheme 2023. Collection method: clinical testing. Allele origin: germline.
Comment: The p.N639S variant (also known as c.1916A>G), located in coding exon 13 of the DSC2 gene, results from an A to G substitution at nucleotide position 1916. The asparagine at codon 639 is replaced by serine, an amino acid with highly similar properties. This amino acid position is not well conserved in available vertebrate species, and serine is the reference amino acid in other vertebrate species. In addition, this alteration is predicted to be tolerated by in silico analysis. Since supporting evidence is limited at this time, the clinical significance of this alteration remains unclear.

NM_024422.6(DSC2):c.1916A>G (p.Asn639Ser)

Gene: DSC2 (desmocollin 2; minus strand). Cytogenetic location: 18q12.1.
Variant type: single nucleotide variant.
Coding change: c.1916A>G on transcript NM_024422.6 (MANE Select); coding-DNA position 1916, A replaced by G.
Protein change: p.Asn639Ser; replaces asparagine 639 with serine.
Molecular consequence: missense variant.
Genome position (GRCh38, 1-based): chr18:31,071,814, T>C on the plus strand (A>G on the coding strand, the complement: DSC2 is on the minus strand). VCF-style: chr18-31071814-T-C. GRCh37 (hg19) VCF-style: chr18-28651780-T-C.
Other names: c.1916A>G, p.Asn639Ser (NM_004949.5); short protein forms N639S.
Identifiers: ClinVar variation 1027315 (VCV001027315.11), dbSNP rs369281243, ClinGen allele CA297688759.